The following is an entry in ClinVar:

NM_000545.8(HNF1A):c.150C>A (p.Cys50Ter)

Gene: HNF1A (HNF1 homeobox A; plus strand). Cytogenetic location: 12q24.31.
Variant type: single nucleotide variant.
Coding change: c.150C>A on transcript NM_000545.8 (MANE Select); coding-DNA position 150, C replaced by A.
Protein change: p.Cys50Ter; replaces cysteine 50 with a stop codon.
Molecular consequence: nonsense.
Genome position (GRCh38, 1-based): chr12:120,978,918, C>A. VCF-style: chr12-120978918-C-A. GRCh37 (hg19) VCF-style: chr12-121416721-C-A.
Other names: c.150C>A, p.Cys50Ter (NM_001306179.2, NM_001406915.1); short protein forms C50*.
Identifiers: ClinVar variation 1774157 (VCV001774157.3), dbSNP rs193922583, ClinGen allele CA386953204.
Genomic context (GRCh38, chr12:120,978,918, plus strand): 5'-GGGTGAGCCGGGGCCCTACCTCCTGGCTGGAGAAGGCCCCCTGGACAAGGGGGAGTCCTG[C>A]GGCGGCGGTCGAGGGGAGCTGGCTGAGCTGCCCAATGGGCTGGGGGAGACTCGGGGCTCC-3'

ClinVar aggregate classification (germline): Pathogenic/Likely pathogenic. Review status: criteria provided, multiple submitters, no conflicts (2 of 4 stars). 2 submissions from 2 submitters: Pathogenic (1); Likely pathogenic (1). Last evaluated 2023-06-29.

Conditions:
Maturity-onset diabetes of the young (MODY). Also called: Maturity onset diabetes mellitus in young. Identifiers: Orphanet 552, MedGen C0342276, MONDO:0018911, HP:0004904.

Submissions (2):

Athena Diagnostics
Classification: Likely pathogenic. Last evaluated: 2023-06-29. Review status: criteria provided, single submitter. Criteria: Athena Diagnostics Criteria. Collection method: clinical testing. Allele origin: unknown.
Comment: This variant is expected to result in the loss of a functional protein. This variant has not been reported in large, multi-ethnic general populations.

Ambry Genetics
Classification: Pathogenic for Maturity-onset diabetes of the young. Last evaluated: 2017-03-03. Review status: criteria provided, single submitter. Criteria: Ambry Variant Classification Scheme 2023. Collection method: clinical testing. Allele origin: germline.
Comment: The p.C50* pathogenic mutation (also known as c.150C>A), located in coding exon 1 of the HNF1A gene, results from a C to A substitution at nucleotide position 150. This changes the amino acid from a cysteine to a stop codon within coding exon 1. This alteration is expected to result in loss of function by premature protein truncation or nonsense-mediated mRNA decay. As such, this alteration is interpreted as a disease-causing mutation.